The following is an entry in ClinVar:

ClinVar aggregate classification (germline): Uncertain significance. Review status: criteria provided, multiple submitters, no conflicts (2 of 4 stars). 2 submissions from 2 submitters: Uncertain significance (2). Last evaluated 2025-08-01.

Conditions:
Multiple endocrine neoplasia, type 1 (MEN1). Also called: MEA I; MEN I; WERMER SYNDROME; Endocrine adenomatosis multiple; MEN 1. Identifiers: Orphanet 652, MedGen C0025267, MeSH D018761, MONDO:0007540, OMIM 131100.

Submissions (2):

CeGaT Center for Human Genetics Tuebingen
Classification: Uncertain significance. Last evaluated: 2025-08-01. Review status: criteria provided, single submitter. Criteria: CeGaT Center For Human Genetics Tuebingen Variant Classification Criteria Version 2. Collection method: clinical testing. Allele origin: germline. Affected: yes. Observed: 1 variant allele.
Comment: MEN1: PM2, PVS1:Moderate

Labcorp Genetics (formerly Invitae), Labcorp
Classification: Uncertain significance for Multiple endocrine neoplasia, type 1. Last evaluated: 2022-08-20. Review status: criteria provided, single submitter. Criteria: Invitae Variant Classification Sherloc (09022015). Collection method: clinical testing. Allele origin: germline.
Comment: This sequence change results in a frameshift in the MEN1 gene (p.Ser601Phefs*77). While this is not anticipated to result in nonsense mediated decay, it is expected to disrupt the last 10 amino acid(s) of the MEN1 protein and extend the protein by 66 additional amino acid residues. This variant is not present in population databases (gnomAD no frequency). This variant has not been reported in the literature in individuals affected with MEN1-related conditions. Experimental studies and prediction algorithms are not available or were not evaluated, and the functional significance of this variant is currently unknown. In summary, the available evidence is currently insufficient to determine the role of this variant in disease. Therefore, it has been classified as a Variant of Uncertain Significance.

NM_001370259.2(MEN1):c.1800_1801del (p.Ser601fs)

Gene: MEN1 (menin 1; minus strand). Cytogenetic location: 11q13.1.
Variant type: Deletion.
Coding change: c.1800_1801del on transcript NM_001370259.2 (MANE Select); coding-DNA positions 1800 to 1801, 2 bases deleted (GT; older notation c.1800_1801delGT).
Protein change: p.Ser601fs; shifts the reading frame from serine 601.
Molecular consequence: frameshift variant.
Genome position (GRCh38, 1-based): chr11:64,804,366-64,804,367, AC deleted on the plus strand (GT on the coding strand, the reverse complement: MEN1 is on the minus strand); deleting any 2 consecutive bases within chr11:64,804,366-64,804,368 gives the same sequence; the c. name uses the placement nearest the transcript's 3' end. VCF-style (leftmost placement, unchanged base first): chr11-64804365-GAC-G. GRCh37 (hg19) VCF-style: chr11-64571837-GAC-G.
Other names: c.1815_1816del, p.Ser606fs (NM_000244.4, NM_130800.3, NM_130801.3 and 3 more transcripts); c.1926_1927del, p.Ser643fs (NM_001370251.2); c.1800_1801del, p.Ser601fs (NM_001370260.2, NM_001370261.2, NM_130799.3); c.1695_1696del, p.Ser566fs (NM_001370262.2, NM_001370263.2); c.1925_1926delTG, p.Ser643Phefs (NM_001407142.1, NM_001407143.1, NM_001407144.1); c.1814_1815delTG, p.Ser606Phefs (NM_001407145.1); c.1799_1800delTG, p.Ser601Phefs (NM_001407146.1, NM_001407147.1); c.1694_1695delTG, p.Ser566Phefs (NM_001407148.1, NM_001407149.1); and 3 more; short protein forms S566fs, S601fs, S606fs, S643fs.
Identifiers: ClinVar variation 2000284 (VCV002000284.12), dbSNP rs2497099177, ClinGen allele CA2580084403.